The following is an entry in ClinVar:

ClinVar aggregate classification (germline): Benign. Review status: criteria provided, multiple submitters, no conflicts (2 of 4 stars). 2 submissions from 2 submitters: Benign (2). Last evaluated 2018-06-14.

Allele frequency attached by ClinVar (database versions not stated): 1000 Genomes Project 0.88758; 1000 Genomes Project 30x 0.89038; TOPMed 0.92018.
gnomAD v4.1: 140,471 of 152,192 alleles (92%); highest among the groups gnomAD compares: African/African-American, 97%; 64,939 homozygotes.

Submissions (2):

GeneDx
Classification: Benign. Last evaluated: 2018-06-14. Review status: criteria provided, single submitter. Criteria: GeneDx Variant Classification (06012015). Collection method: clinical testing. Allele origin: germline. Affected: yes.
Comment: This variant is considered likely benign or benign based on one or more of the following criteria: it is a conservative change, it occurs at a poorly conserved position in the protein, it is predicted to be benign by multiple in silico algorithms, and/or has population frequency not consistent with disease.

Breakthrough Genomics
Classification: Benign. Review status: criteria provided, single submitter. Criteria: ACMG Guidelines, 2015. Collection method: not provided. Allele origin: germline. Inheritance: Autosomal recessive inheritance. Affected: yes.

NM_000191.3(HMGCL):c.750+163G>A

Gene: HMGCL (3-hydroxy-3-methylglutaryl-CoA lyase; minus strand). Cytogenetic location: 1p36.11.
Variant type: single nucleotide variant.
Coding change: c.750+163G>A on transcript NM_000191.3 (MANE Select); 163 bases into the intron after coding-DNA position 750, G replaced by A.
Molecular consequence: intron variant.
Genome position (GRCh38, 1-based): chr1:23,807,972, C>T on the plus strand (G>A on the coding strand, the complement: HMGCL is on the minus strand). VCF-style: chr1-23807972-C-T. GRCh37 (hg19) VCF-style: chr1-24134462-C-T.
Other names: c.537+163G>A (NM_001166059.2).
Identifiers: ClinVar variation 684182 (VCV000684182.2), dbSNP rs719399, ClinGen allele CA19291953.